The following is an entry in ClinVar:

NM_024649.5(BBS1):c.1565T>C (p.Leu522Pro)

Genes: BBS1 (Bardet-Biedl syndrome 1; plus strand), ZDHHC24 (zDHHC palmitoyltransferase 24; minus strand). Cytogenetic location: 11q13.2.
Variant type: single nucleotide variant.
Coding change: c.1565T>C on transcript NM_024649.5 (MANE Select); coding-DNA position 1565, T replaced by C.
Protein change: p.Leu522Pro; replaces leucine 522 with proline.
Molecular consequence: missense variant. On other transcripts: intron variant (1).
Genome position (GRCh38, 1-based): chr11:66,530,985, T>C. VCF-style: chr11-66530985-T-C. GRCh37 (hg19) VCF-style: chr11-66298456-T-C.
Other names: c.560-1497A>G (NM_001348571.2); short protein forms L522P.
Identifiers: ClinVar variation 858642 (VCV000858642.49), dbSNP rs752247232, ClinGen allele CA381425439.

ClinVar aggregate classification (germline): Uncertain significance. Review status: criteria provided, multiple submitters, no conflicts (2 of 4 stars). 2 submissions from 2 submitters: Uncertain significance (2). Last evaluated 2025-12-01.

Conditions:
Bardet-Biedl syndrome (BBS). Identifiers: Orphanet 110, MedGen C0752166, MONDO:0015229.
BBS1-related disorder. Also called: BBS1-related condition.

Submissions (2):

PreventionGenetics, part of Exact Sciences
Classification: Uncertain significance for BBS1-related condition. Last evaluated: 2025-12-01. Review status: criteria provided, single submitter. Criteria: ACMG Guidelines, 2015. Collection method: clinical testing. Allele origin: germline.
Comment: The BBS1 c.1565T>C variant is predicted to result in the amino acid substitution p.Leu522Pro. To our knowledge, this variant has not been reported in the literature or in a large population database, indicating this variant is rare. At this time, the clinical significance of this variant is uncertain due to the absence of conclusive functional and genetic evidence.

Labcorp Genetics (formerly Invitae), Labcorp
Classification: Uncertain significance for Bardet-Biedl syndrome. Last evaluated: 2022-03-10. Review status: criteria provided, single submitter. Criteria: Invitae Variant Classification Sherloc (09022015). Collection method: clinical testing. Allele origin: germline.
Comment: In summary, the available evidence is currently insufficient to determine the role of this variant in disease. Therefore, it has been classified as a Variant of Uncertain Significance. Algorithms developed to predict the effect of missense changes on protein structure and function are either unavailable or do not agree on the potential impact of this missense change (SIFT: "Tolerated"; PolyPhen-2: "Possibly Damaging"; Align-GVGD: "Class C0"). ClinVar contains an entry for this variant (Variation ID: 858642). This variant has not been reported in the literature in individuals affected with BBS1-related conditions. This variant is not present in population databases (gnomAD no frequency). This sequence change replaces leucine, which is neutral and non-polar, with proline, which is neutral and non-polar, at codon 522 of the BBS1 protein (p.Leu522Pro).